The following is an entry in ClinVar:

NM_001845.6(COL4A1):c.1908T>C (p.Gly636=)

Gene: COL4A1 (collagen type IV alpha 1 chain; minus strand). Cytogenetic location: 13q34.
Variant type: single nucleotide variant.
Coding change: c.1908T>C on transcript NM_001845.6 (MANE Select); coding-DNA position 1908, T replaced by C.
Protein change: p.Gly636=; no amino-acid change (glycine 636 retained).
Molecular consequence: synonymous variant.
Genome position (GRCh38, 1-based): chr13:110,183,266, A>G on the plus strand (T>C on the coding strand, the complement: COL4A1 is on the minus strand). VCF-style: chr13-110183266-A-G. GRCh37 (hg19) VCF-style: chr13-110835613-A-G.
Identifiers: ClinVar variation 4994469 (VCV004994469.1).

ClinVar aggregate classification (germline): Likely benign (1 of 4 stars; one submission).

Conditions:
COL4A1-related disorder. Also called: COL4A1-related condition; COL4A1-related disorders. Identifiers: MedGen CN376119, MONDO:0800461.

Submission:

PreventionGenetics, part of Exact Sciences
Classification: Likely benign for COL4A1-related condition. Last evaluated: 2026-03-11. Review status: criteria provided, single submitter. Criteria: ACMG Guidelines, 2015. Collection method: clinical testing. Allele origin: germline.
Comment: This variant is classified as likely benign based on ACMG/AMP sequence variant interpretation guidelines (Richards et al. 2015 PMID: 25741868, with internal and published modifications).